The following is an entry in ClinVar:

NM_001127222.2(CACNA1A):c.2321G>A (p.Trp774Ter)

Gene: CACNA1A (calcium voltage-gated channel subunit alpha1 A; minus strand). Cytogenetic location: 19p13.13.
Variant type: single nucleotide variant.
Coding change: c.2321G>A on transcript NM_001127222.2 (MANE Select); coding-DNA position 2321, G replaced by A.
Protein change: p.Trp774Ter; replaces tryptophan 774 with a stop codon.
Molecular consequence: nonsense.
Genome position (GRCh38, 1-based): chr19:13,299,312, C>T on the plus strand (G>A on the coding strand, the complement: CACNA1A is on the minus strand). VCF-style: chr19-13299312-C-T. GRCh37 (hg19) VCF-style: chr19-13410126-C-T.
Other names: c.2333G>A, p.Trp778Ter (NM_000068.4, NM_023035.3); c.2324G>A, p.Trp775Ter (NM_001127221.2, NM_001174080.2); short protein forms W778*, W775*, W774*.
Identifiers: ClinVar variation 3571474 (VCV003571474.1).

ClinVar aggregate classification (germline): Pathogenic (1 of 4 stars; one submission).

Submission:

Athena Diagnostics
Classification: Pathogenic. Last evaluated: 2023-12-20. Review status: criteria provided, single submitter. Criteria: Athena Diagnostics Criteria. Collection method: clinical testing. Allele origin: unknown.
Comment: This variant is expected to result in the loss of a functional protein. This variant has been identified in at least one individual with clinical features associated with epilepsy. This variant has not been reported in large, multi-ethnic general populations.

Literature cited by the submitters: PubMed 31302675; PubMed 34395002.